The following is an entry in ClinVar:

NM_201384.3(PLEC):c.6268G>T (p.Ala2090Ser)

Gene: PLEC (plectin; minus strand). Cytogenetic location: 8q24.3.
Variant type: single nucleotide variant.
Coding change: c.6268G>T on transcript NM_201384.3 (MANE Select); coding-DNA position 6268, G replaced by T.
Protein change: p.Ala2090Ser; replaces alanine 2090 with serine.
Molecular consequence: missense variant.
Genome position (GRCh38, 1-based): chr8:143,923,661, C>A on the plus strand (G>T on the coding strand, the complement: PLEC is on the minus strand). VCF-style: chr8-143923661-C-A. GRCh37 (hg19) VCF-style: chr8-144997829-C-A.
Other names: c.6349G>T, p.Ala2117Ser (NM_000445.5); c.6226G>T, p.Ala2076Ser (NM_201378.4); c.6202G>T, p.Ala2068Ser (NM_201379.3); c.6679G>T, p.Ala2227Ser (NM_201380.4); c.6172G>T, p.Ala2058Ser (NM_201381.3); c.6268G>T, p.Ala2090Ser (NM_201382.4); c.6280G>T, p.Ala2094Ser (NM_201383.3); short protein forms A2068S, A2076S, A2090S, A2094S, A2117S, A2058S, A2227S.
Identifiers: ClinVar variation 1512818 (VCV001512818.8), dbSNP rs2131342777, ClinGen allele CA372537449.
Genomic context (GRCh38, chr8:143,923,661, plus strand): 5'-GCCGCCGGGACTGCGCCGCCTCACGCTCCGCCTGCACCCGGGCCTCCTCCGCCTCCTCAG[C>A]CGCCCGCCGGGCCGCCTCCGCCTCGCCGCGCAGCTGGTCCAGCACGCTCTGCTCCTGCTG-3'
Protein context (NP_958786.1, residues 2080-2100): RGEAEAARRA[Ala2090Ser]EEAEEARVQA

ClinVar aggregate classification (germline): Uncertain significance (1 of 4 stars; one submission).

Conditions:
Autosomal recessive limb-girdle muscular dystrophy type 2Q (LGMDR17). Also called: MUSCULAR DYSTROPHY, LIMB-GIRDLE, AUTOSOMAL RECESSIVE 17. Identifiers: Orphanet 254361, MedGen C3150989, MONDO:0013390, OMIM 613723.
Epidermolysis bullosa simplex, Ogna type (EBS5A). Also called: Pidermolysis bullosa simplex 5A, Ogna type; EPIDERMOLYSIS BULLOSA SIMPLEX 5A, OGNA TYPE. Identifiers: Orphanet 79401, MedGen C0432317, MONDO:0007555, OMIM 131950.
Epidermolysis bullosa simplex 5B, with muscular dystrophy (EBS5B). Also called: EPIDERMOLYSIS BULLOSA SIMPLEX AND LIMB-GIRDLE MUSCULAR DYSTROPHY; Epidermolysis bullosa simplex with muscular dystrophy. Identifiers: Orphanet 257, MedGen C2931072, MONDO:0009181, OMIM 226670.
Epidermolysis bullosa simplex 5C, with pyloric atresia (EBS5C). Also called: Epidermolysis bullosa simplex with pyloric atresia; PLEC-Related Epidermolysis Bullosa with Pyloric Atresia; PLEC1-Related Epidermolysis Bullosa with Pyloric Atresia. Identifiers: Orphanet 158684, MedGen C2677349, MONDO:0012807, OMIM 612138.
Epidermolysis bullosa simplex with nail dystrophy (EBS5D). Identifiers: MedGen C4225309, MONDO:0014661, OMIM 616487.

Submission:

Labcorp Genetics (formerly Invitae), Labcorp
Classification: Uncertain significance for Autosomal recessive limb-girdle muscular dystrophy type 2Q; Epidermolysis bullosa simplex, Ogna type; Epidermolysis bullosa simplex with nail dystrophy; Epidermolysis bullosa simplex 5C, with pyloric atresia; Epidermolysis bullosa simplex 5B, with muscular dystrophy. Last evaluated: 2025-10-02. Review status: criteria provided, single submitter. Criteria: Invitae Variant Classification Sherloc (09022015). Collection method: clinical testing. Allele origin: germline.
Comment: This sequence change replaces alanine, which is neutral and non-polar, with serine, which is neutral and polar, at codon 2117 of the PLEC protein (p.Ala2117Ser). This variant is not present in population databases (gnomAD no frequency). This variant has not been reported in the literature in individuals affected with PLEC-related conditions. ClinVar contains an entry for this variant (Variation ID: 1512818). An algorithm developed to predict the effect of missense changes on protein structure and function (PolyPhen-2) suggests that this variant is likely to be tolerated. In summary, the available evidence is currently insufficient to determine the role of this variant in disease. Therefore, it has been classified as a Variant of Uncertain Significance.